The following is an entry in ClinVar:

NM_002661.5(PLCG2):c.692+6G>A

Gene: PLCG2 (phospholipase C gamma 2; plus strand). Cytogenetic location: 16q23.3.
Variant type: single nucleotide variant.
Coding change: c.692+6G>A on transcript NM_002661.5 (MANE Select); 6 bases into the intron after coding-DNA position 692, G replaced by A.
Molecular consequence: intron variant.
Genome position (GRCh38, 1-based): chr16:81,880,959, G>A. VCF-style: chr16-81880959-G-A. GRCh37 (hg19) VCF-style: chr16-81914564-G-A.
Identifiers: ClinVar variation 962097 (VCV000962097.9), dbSNP rs1908049675, ClinGen allele CA979664163.
Genomic context (GRCh38, chr16:81,880,959, plus strand): 5'-TTCCATTTCAGATTCTCGATGAATTCAAAAAGGATTCGTCCGTGTTCATCCTGGGGTGAG[G>A]CAGCTCTTGTGTGTCGTTCGGGGCGGCTGTGCCGGACCTCGGTGCCTGGTGCCCAGCCGG-3'

ClinVar aggregate classification (germline): Uncertain significance (1 of 4 stars; one submission).

Conditions:
Familial cold autoinflammatory syndrome 3 (FCAS3). Also called: FAMILIAL ATYPICAL COLD URTICARIA; ANTIBODY DEFICIENCY AND IMMUNE DYSREGULATION, PLCG2-ASSOCIATED. Identifiers: Orphanet 300359, MedGen C3280914, MONDO:0013766, OMIM 614468.

Allele frequency attached by ClinVar (database versions not stated): gnomAD 0.00001.
gnomAD v4.1: 3 of 1,613,914 alleles (0.00019%); highest among the groups gnomAD compares: Admixed American, 0.005%; no homozygotes.

Submission:

Labcorp Genetics (formerly Invitae), Labcorp
Classification: Uncertain significance for Familial cold autoinflammatory syndrome 3. Last evaluated: 2024-11-11. Review status: criteria provided, single submitter. Criteria: Invitae Variant Classification Sherloc (09022015). Collection method: clinical testing. Allele origin: germline.
Comment: This sequence change falls in intron 8 of the PLCG2 gene. It does not directly change the encoded amino acid sequence of the PLCG2 protein. It affects a nucleotide within the consensus splice site. This variant is not present in population databases (gnomAD no frequency). This variant has not been reported in the literature in individuals affected with PLCG2-related conditions. ClinVar contains an entry for this variant (Variation ID: 962097). Variants that disrupt the consensus splice site are a relatively common cause of aberrant splicing (PMID: 17576681, 9536098). Algorithms developed to predict the effect of sequence changes on RNA splicing suggest that this variant is not likely to affect RNA splicing. In summary, the available evidence is currently insufficient to determine the role of this variant in disease. Therefore, it has been classified as a Variant of Uncertain Significance.

Literature cited by the submitters: PubMed 17576681; PubMed 9536098.